The following is an entry in ClinVar:

NM_006214.4(PHYH):c.679G>C (p.Gly227Arg)

Gene: PHYH (phytanoyl-CoA 2-hydroxylase; minus strand). Cytogenetic location: 10p13.
Variant type: single nucleotide variant.
Coding change: c.679G>C on transcript NM_006214.4 (MANE Select); coding-DNA position 679, G replaced by C.
Protein change: p.Gly227Arg; replaces glycine 227 with arginine.
Molecular consequence: missense variant.
Genome position (GRCh38, 1-based): chr10:13,283,839, C>G on the plus strand (G>C on the coding strand, the complement: PHYH is on the minus strand). VCF-style: chr10-13283839-C-G. GRCh37 (hg19) VCF-style: chr10-13325839-C-G.
Other names: c.379G>C, p.Gly127Arg (NM_001037537.2, NM_001323080.2); c.685G>C, p.Gly229Arg (NM_001323082.2); c.415G>C, p.Gly139Arg (NM_001323083.2); c.385G>C, p.Gly129Arg (NM_001323084.2); short protein forms G139R, G127R, G129R, G227R, G229R.
Identifiers: ClinVar variation 840238 (VCV000840238.11), dbSNP rs201936962, ClinGen allele CA5412261.
Genomic context (GRCh38, chr10:13,283,839, plus strand): 5'-GCACCCGGGCCTTGTTTTCCTCGTAGTCCTGGATCCCGTGGAACATTTTGTTAACTCCCC[C>G]CTAGAACAAGAGGCAAGTGAAGTCTACATTTGAGGGAGTACCATAATTAAAAACATTGTC-3'
Protein context (NP_006205.1, residues 217-237): LKPHDYPKWE[Gly227Arg]GVNKMFHGIQ

ClinVar aggregate classification (germline): Uncertain significance. Review status: criteria provided, multiple submitters, no conflicts (2 of 4 stars). 5 submissions from 5 submitters: Uncertain significance (5). Last evaluated 2026-01-19.

Conditions:
Refsum disease, classic. Also called: PHYH-Related Refsum Disease; HEREDOPATHIA ATACTICA POLYNEURITIFORMIS; HMSN IV; PHYTANIC ACID OXIDASE DEFICIENCY. Identifiers: Orphanet 773, MedGen C5780941, MONDO:1060256, OMIM 266500. Disease mechanism: loss of function.
PHYH-related disorder. Also called: PHYH-related condition.

Allele frequency attached by ClinVar (database versions not stated): TOPMed 0.00010.
gnomAD v4.1: 67 of 1,613,484 alleles (0.0042%); highest among the groups gnomAD compares: African/African-American, 0.035%; no homozygotes.

Submissions (5):

Labcorp Genetics (formerly Invitae), Labcorp
Classification: Uncertain significance. Last evaluated: 2026-01-19. Review status: criteria provided, single submitter. Criteria: Invitae Variant Classification Sherloc (09022015). Collection method: clinical testing. Allele origin: germline.
Comment: This sequence change replaces glycine, which is neutral and non-polar, with arginine, which is basic and polar, at codon 227 of the PHYH protein (p.Gly227Arg). This variant is present in population databases (rs201936962, gnomAD 0.03%). This variant has not been reported in the literature in individuals affected with PHYH-related conditions. ClinVar contains an entry for this variant (Variation ID: 840238). An algorithm developed to predict the effect of missense changes on protein structure and function (PolyPhen-2) suggests that this variant is likely to be disruptive. In summary, the available evidence is currently insufficient to determine the role of this variant in disease. Therefore, it has been classified as a Variant of Uncertain Significance.

Genomic Medicine Center of Excellence, King Faisal Specialist Hospital and Research Centre
Classification: Uncertain significance for Refsum disease, classic. Last evaluated: 2025-09-10. Review status: criteria provided, single submitter. Criteria: ACMG Guidelines, 2015. Collection method: clinical testing. Allele origin: germline.

Blueprint Genetics
Classification: Uncertain significance. Last evaluated: 2024-11-06. Review status: criteria provided, single submitter. Criteria: ACMG Guidelines, 2015. Collection method: clinical testing. Allele origin: germline.

PreventionGenetics, part of Exact Sciences
Classification: Uncertain significance for PHYH-related condition. Last evaluated: 2022-12-05. Review status: criteria provided, single submitter. Criteria: ACMG Guidelines, 2015. Collection method: clinical testing. Allele origin: germline.
Comment: The PHYH c.679G>C variant is predicted to result in the amino acid substitution p.Gly227Arg. To our knowledge, this variant has not been reported in the literature. This variant is reported in 0.028% of alleles in individuals of African descent in gnomAD. At this time, the clinical significance of this variant is uncertain due to the absence of conclusive functional and genetic evidence.

GeneDx
Classification: Uncertain significance. Last evaluated: 2019-06-06. Review status: criteria provided, single submitter. Criteria: GeneDx Variant Classification Process June 2021. Collection method: clinical testing. Allele origin: germline. Affected: yes.
Comment: Has not been previously published as pathogenic or benign to our knowledge; In silico analysis, which includes protein predictors and evolutionary conservation, supports a deleterious effect